The following is an entry in ClinVar:

ClinVar aggregate classification (germline): Pathogenic (1 of 4 stars; one submission).

Conditions:
Maple syrup urine disease (MSUD). Identifiers: Orphanet 511, MedGen C0024776, MeSH D008375, MONDO:0009563. Disease mechanism: loss of function.

Submission:

Labcorp Genetics (formerly Invitae), Labcorp
Classification: Pathogenic for Maple syrup urine disease. Last evaluated: 2022-08-19. Review status: criteria provided, single submitter. Criteria: Invitae Variant Classification Sherloc (09022015). Collection method: clinical testing. Allele origin: germline.
Comment: For these reasons, this variant has been classified as Pathogenic. A similar copy number variant has been observed in individual(s) with maple syrup urine disease (PMID: 31119508). This variant is a gross deletion of the genomic region encompassing exon(s) 5-7 of the DBT gene. This deletion is out-of-frame, and is expected to create a premature termination codon and result in an absent or disrupted protein product. Loss-of-function variants in DBT are known to be pathogenic (PMID: 16579849, 16786533).

Literature cited by the submitters: PubMed 31119508; PubMed 16579849; PubMed 16786533.

NC_000001.10:g.(?_100680363)_(100684318_?)del

Gene: DBT (dihydrolipoamide branched chain transacylase E2; minus strand). Cytogenetic location: 1p21.2.
Variant type: Deletion.
Identifiers: ClinVar variation 2424319 (VCV002424319.3).